The following is an entry in ClinVar:

NM_007214.5(SEC63):c.641G>A (p.Arg214His)

Gene: SEC63 (SEC63 protein translocation regulator; minus strand). Cytogenetic location: 6q21.
Variant type: single nucleotide variant.
Coding change: c.641G>A on transcript NM_007214.5 (MANE Select); coding-DNA position 641, G replaced by A.
Protein change: p.Arg214His; replaces arginine 214 with histidine.
Molecular consequence: missense variant.
Genome position (GRCh38, 1-based): chr6:107,909,019, C>T on the plus strand (G>A on the coding strand, the complement: SEC63 is on the minus strand). VCF-style: chr6-107909019-C-T. GRCh37 (hg19) VCF-style: chr6-108230223-C-T.
Other names: short protein forms R214H.
Identifiers: ClinVar variation 4703277 (VCV004703277.1).

ClinVar aggregate classification (germline): Uncertain significance (1 of 4 stars; one submission).

gnomAD v4.1: 12 of 1,610,526 alleles (0.00075%); highest among the groups gnomAD compares: East Asian, 0.0045%; no homozygotes.

Submission:

Labcorp Genetics (formerly Invitae), Labcorp
Classification: Uncertain significance. Last evaluated: 2025-05-22. Review status: criteria provided, single submitter. Criteria: Invitae Variant Classification Sherloc (09022015). Collection method: clinical testing. Allele origin: germline.
Comment: This sequence change replaces arginine, which is basic and polar, with histidine, which is basic and polar, at codon 214 of the SEC63 protein (p.Arg214His). This variant is present in population databases (rs755852710, gnomAD 0.007%). This variant has not been reported in the literature in individuals affected with SEC63-related conditions. An algorithm developed to predict the effect of missense changes on protein structure and function (PolyPhen-2) suggests that this variant is likely to be disruptive. In summary, the available evidence is currently insufficient to determine the role of this variant in disease. Therefore, it has been classified as a Variant of Uncertain Significance.